The following is an entry in ClinVar:

NM_002591.4(PCK1):c.1836C>T (p.Ile612=)

Gene: PCK1 (phosphoenolpyruvate carboxykinase 1; plus strand). Cytogenetic location: 20q13.31.
Variant type: single nucleotide variant.
Coding change: c.1836C>T on transcript NM_002591.4 (MANE Select); coding-DNA position 1836, C replaced by T.
Protein change: p.Ile612=; no amino-acid change (isoleucine 612 retained).
Molecular consequence: synonymous variant.
Genome position (GRCh38, 1-based): chr20:57,565,771, C>T. VCF-style: chr20-57565771-C-T. GRCh37 (hg19) VCF-style: chr20-56140827-C-T.
Identifiers: ClinVar variation 714828 (VCV000714828.12), dbSNP rs73299460, ClinGen allele CA9922475.

ClinVar aggregate classification (germline): Benign/Likely benign. Review status: criteria provided, multiple submitters, no conflicts (2 of 4 stars). 3 submissions from 3 submitters: Benign (1); Likely benign (2). Last evaluated 2026-09-01.

Allele frequency attached by ClinVar (database versions not stated): gnomAD exomes 0.00019 and 0.00046; ExAC 0.00058; 1000 Genomes Project 0.00180; gnomAD 0.00194 and 0.00212; 1000 Genomes Project 30x 0.00203; TOPMed 0.00237; ESP Exome Variant Server 0.00254.
gnomAD v4.1: 589 of 1,612,402 alleles (0.037%); highest among the groups gnomAD compares: African/African-American, 0.69%; 4 homozygotes.

Submissions (3):

CeGaT Center for Human Genetics Tuebingen
Classification: Likely benign. Last evaluated: 2026-09-01. Review status: criteria provided, single submitter. Criteria: CeGaT Center For Human Genetics Tuebingen Variant Classification Criteria Version 2. Collection method: clinical testing. Allele origin: germline. Affected: yes. Observed: 1 variant allele.
Comment: PCK1: BP4, BP7

Labcorp Genetics (formerly Invitae), Labcorp
Classification: Benign. Last evaluated: 2025-10-01. Review status: criteria provided, single submitter. Criteria: Invitae Variant Classification Sherloc (09022015). Collection method: clinical testing. Allele origin: germline.

Blueprint Genetics
Classification: Likely benign. Last evaluated: 2024-11-26. Review status: criteria provided, single submitter. Criteria: ACMG Guidelines, 2015. Collection method: clinical testing. Allele origin: germline.